The following is an entry in ClinVar:

NM_001358235.2(DCHS2):c.7385T>C (p.Val2462Ala)

Genes: DCHS2 (dachsous cadherin-related 2; minus strand), DCHS2-AS1 (DCHS2 antisense RNA 1; plus strand). Cytogenetic location: 4q31.3.
Variant type: single nucleotide variant.
Coding change: c.7385T>C on transcript NM_001358235.2 (MANE Select); coding-DNA position 7385, T replaced by C.
Protein change: p.Val2462Ala; replaces valine 2462 with alanine.
Molecular consequence: missense variant.
Genome position (GRCh38, 1-based): chr4:154,239,277, A>G on the plus strand (T>C on the coding strand, the complement: DCHS2 is on the minus strand). VCF-style: chr4-154239277-A-G. GRCh37 (hg19) VCF-style: chr4-155160429-A-G.
Other names: short protein forms V2462A.
Identifiers: ClinVar variation 3037562 (VCV003037562.2), dbSNP rs150004475, ClinGen allele CA3112141.

ClinVar aggregate classification (germline): Benign (0 of 4 stars; one submission).

Conditions:
DCHS2-related disorder. Also called: DCHS2-related condition.

Allele frequency attached by ClinVar (database versions not stated): 1000 Genomes Project 0.00300; 1000 Genomes Project 30x 0.00312; ESP Exome Variant Server 0.00415; ExAC 0.00713; gnomAD 0.00718; TOPMed 0.00800; gnomAD exomes 0.01129.
gnomAD v4.1: 17,557 of 1,613,208 alleles (1.1%); highest among the groups gnomAD compares: Non-Finnish European, 1.3%; 126 homozygotes.

Submission:

PreventionGenetics, part of Exact Sciences
Classification: Benign for DCHS2-related condition. Last evaluated: 2019-02-27. Review status: no assertion criteria provided. Collection method: clinical testing. Allele origin: germline.
Comment: This variant is classified as benign based on ACMG/AMP sequence variant interpretation guidelines (Richards et al. 2015 PMID: 25741868, with internal and published modifications).